The following is an entry in ClinVar:

ClinVar aggregate classification (germline): Uncertain significance (1 of 4 stars; one submission).

Conditions:
Duchenne muscular dystrophy (DMD). Also called: MUSCULAR DYSTROPHY, PSEUDOHYPERTROPHIC PROGRESSIVE, DUCHENNE TYPE; Duchenne Muscular Dystrophy (DMD). Identifiers: Orphanet 98896, MedGen C0013264, MONDO:0010679, OMIM 310200.

Submission:

Labcorp Genetics (formerly Invitae), Labcorp
Classification: Uncertain significance for Duchenne muscular dystrophy. Last evaluated: 2025-09-03. Review status: criteria provided, single submitter. Criteria: Invitae Variant Classification Sherloc (09022015). Collection method: clinical testing. Allele origin: germline.
Comment: This sequence change replaces asparagine, which is neutral and polar, with serine, which is neutral and polar, at codon 103 of the DMD protein (p.Asn103Ser). This variant is not present in population databases (gnomAD no frequency). This variant has not been reported in the literature in individuals affected with DMD-related conditions. Invitae Evidence Modeling of protein sequence and biophysical properties (such as structural, functional, and spatial information, amino acid conservation, physicochemical variation, residue mobility, and thermodynamic stability) has been performed for this missense variant. However, the output from this modeling did not meet the statistical confidence thresholds required to predict the impact of this variant on DMD protein function. In summary, the available evidence is currently insufficient to determine the role of this variant in disease. Therefore, it has been classified as a Variant of Uncertain Significance.

NM_004006.3(DMD):c.308A>G (p.Asn103Ser)

Gene: DMD (dystrophin; minus strand). Cytogenetic location: Xp21.1.
Variant type: single nucleotide variant.
Coding change: c.308A>G on transcript NM_004006.3 (MANE Select); coding-DNA position 308, A replaced by G.
Protein change: p.Asn103Ser; replaces asparagine 103 with serine.
Molecular consequence: missense variant. On other transcripts: 5 prime UTR variant (1).
Genome position (GRCh38, 1-based): chrX:32,823,344, T>C on the plus strand (A>G on the coding strand, the complement: DMD is on the minus strand). VCF-style: chrX-32823344-T-C. GRCh37 (hg19) VCF-style: chrX-32841461-T-C.
Other names: c.284A>G, p.Asn95Ser (NM_000109.4); c.296A>G, p.Asn99Ser (NM_004009.3); c.-62A>G (NM_004010.3); short protein forms N103S, N95S, N99S.
Identifiers: ClinVar variation 4696915 (VCV004696915.1).